The following is an entry in ClinVar:

NM_015122.3(FCHO1):c.1210G>A (p.Asp404Asn)

Genes: FCHO1 (FCH and mu domain containing endocytic adaptor 1; plus strand), LOC130063960 (ATAC-STARR-seq lymphoblastoid active region 14285; plus strand). Cytogenetic location: 19p13.11.
Variant type: single nucleotide variant.
Coding change: c.1210G>A on transcript NM_015122.3 (MANE Select); coding-DNA position 1210, G replaced by A.
Protein change: p.Asp404Asn; replaces aspartic acid 404 with asparagine.
Molecular consequence: missense variant. On other transcripts: non-coding transcript variant (36), intron variant (1).
Genome position (GRCh38, 1-based): chr19:17,776,637, G>A. VCF-style: chr19-17776637-G-A. GRCh37 (hg19) VCF-style: chr19-17887446-G-A.
Other names: c.1210G>A, p.Asp404Asn (NM_001161357.2, NM_001161358.2, NM_001384370.1 and 25 more transcripts); c.1060G>A, p.Asp354Asn (NM_001161359.2, NM_001384386.1, NM_001384406.1 and 2 more transcripts); c.1171G>A, p.Asp391Asn (NM_001384388.1, NM_001384389.1, NM_001384405.1); c.1135G>A, p.Asp379Asn (NM_001384390.1); c.1165G>A, p.Asp389Asn (NM_001384403.1); c.1057+366G>A (NM_001384407.1); short protein forms D379N, D404N, D354N, D389N, D391N.
Identifiers: ClinVar variation 1460653 (VCV001460653.6), dbSNP rs566843457, ClinGen allele CA306115528.

ClinVar aggregate classification (germline): Uncertain significance (1 of 4 stars; one submission).

Allele frequency attached by ClinVar (database versions not stated): gnomAD exomes below 0.00001; TOPMed below 0.00001.
gnomAD v4.1: 1 of 1,613,976 alleles (0.000062%); highest among the groups gnomAD compares: Non-Finnish European, 0.000085%; no homozygotes.

Submission:

Labcorp Genetics (formerly Invitae), Labcorp
Classification: Uncertain significance. Last evaluated: 2021-11-14. Review status: criteria provided, single submitter. Criteria: Invitae Variant Classification Sherloc (09022015). Collection method: clinical testing. Allele origin: germline.
Comment: This variant has not been reported in the literature in individuals affected with FCHO1-related conditions. This variant is not present in population databases (gnomAD no frequency). This sequence change replaces aspartic acid, which is acidic and polar, with asparagine, which is neutral and polar, at codon 404 of the FCHO1 protein (p.Asp404Asn). Algorithms developed to predict the effect of missense changes on protein structure and function (SIFT, PolyPhen-2, Align-GVGD) all suggest that this variant is likely to be tolerated. In summary, the available evidence is currently insufficient to determine the role of this variant in disease. Therefore, it has been classified as a Variant of Uncertain Significance.